The following is an entry in ClinVar:

NM_080632.3(UPF3B):c.224C>T (p.Pro75Leu)

Gene: UPF3B (UPF3B regulator of nonsense mediated mRNA decay; minus strand). Cytogenetic location: Xq24.
Variant type: single nucleotide variant.
Coding change: c.224C>T on transcript NM_080632.3 (MANE Select); coding-DNA position 224, C replaced by T.
Protein change: p.Pro75Leu; replaces proline 75 with leucine.
Molecular consequence: missense variant.
Genome position (GRCh38, 1-based): chrX:119,851,806, G>A on the plus strand (C>T on the coding strand, the complement: UPF3B is on the minus strand). VCF-style: chrX-119851806-G-A. GRCh37 (hg19) VCF-style: chrX-118985769-G-A.
Other names: c.224C>T, p.Pro75Leu (NM_023010.4); short protein forms P75L.
Identifiers: ClinVar variation 2813226 (VCV002813226.3), dbSNP rs2521576737, ClinGen allele CA414185564.

ClinVar aggregate classification (germline): Uncertain significance (1 of 4 stars; one submission).

Conditions:
Intellectual developmental disorder, X-linked, syndromic 14. Also called: Syndromic X-linked intellectual disability 14. Identifiers: Orphanet 776, MedGen C1970822, MONDO:0010398, OMIM 300676.

Submission:

Labcorp Genetics (formerly Invitae), Labcorp
Classification: Uncertain significance for Intellectual developmental disorder, X-linked, syndromic 14. Last evaluated: 2023-05-16. Review status: criteria provided, single submitter. Criteria: Invitae Variant Classification Sherloc (09022015). Collection method: clinical testing. Allele origin: germline.
Comment: In summary, the available evidence is currently insufficient to determine the role of this variant in disease. Therefore, it has been classified as a Variant of Uncertain Significance. Advanced modeling of protein sequence and biophysical properties (such as structural, functional, and spatial information, amino acid conservation, physicochemical variation, residue mobility, and thermodynamic stability) performed at Invitae indicates that this missense variant is expected to disrupt UPF3B protein function. This variant has not been reported in the literature in individuals affected with UPF3B-related conditions. This variant is not present in population databases (gnomAD no frequency). This sequence change replaces proline, which is neutral and non-polar, with leucine, which is neutral and non-polar, at codon 75 of the UPF3B protein (p.Pro75Leu).